The following is an entry in ClinVar:

NM_001009944.3(PKD1):c.12004-1G>A

Gene: PKD1 (polycystin 1, transient receptor potential channel interacting; minus strand). Cytogenetic location: 16p13.3.
Variant type: single nucleotide variant.
Coding change: c.12004-1G>A on transcript NM_001009944.3 (MANE Select); the canonical splice acceptor site of the intron before coding-DNA position 12004, G replaced by A.
Molecular consequence: splice acceptor variant.
Genome position (GRCh38, 1-based): chr16:2,090,809, C>T on the plus strand (G>A on the coding strand, the complement: PKD1 is on the minus strand). VCF-style: chr16-2090809-C-T. GRCh37 (hg19) VCF-style: chr16-2140810-C-T.
Other names: c.12001-1G>A (NM_000296.4); c.12004-1G>A (NM_001009944.2).
Identifiers: ClinVar variation 3236112 (VCV003236112.2), dbSNP rs2544594493, ClinGen allele CA394328202.

ClinVar aggregate classification (germline): Pathogenic. Review status: criteria provided, multiple submitters, no conflicts (2 of 4 stars). 2 submissions from 2 submitters: Pathogenic (2). Last evaluated 2024-10-09.

Conditions:
Polycystic kidney disease, adult type (PKD1). Also called: Polycystic Kidney Disease 1, Autosomal Dominant; Polycystic kidney disease 1; Polycystic kidney disease 1, severe; Polycystic Kidney, Autosomal Dominant; POLYCYSTIC KIDNEY DISEASE 1 WITH OR WITHOUT POLYCYSTIC LIVER DISEASE; POLYCYSTIC KIDNEY DISEASE, ADULT, TYPE I. Identifiers: MedGen C3149841, MONDO:0008263, OMIM 173900.

Submissions (2):

Victorian Clinical Genetics Services, Murdoch Childrens Research Institute
Classification: Pathogenic for Polycystic kidney disease, adult type. Last evaluated: 2024-10-09. Review status: criteria provided, single submitter. Criteria: ACMG Guidelines, 2015. Collection method: clinical testing. Allele origin: germline. Inheritance: Autosomal dominant inheritance. Affected: yes.
Comment: Based on the classification scheme VCGS_Germline_v1.3.5, this variant is classified as Pathogenic. Following criteria are met: 0102 - Loss of function is a known mechanism of disease in this gene and is associated with polycystic kidney disease 1 (MIM#173900). (I) 0107 - This gene is associated with autosomal dominant disease. Polycystic kidney disease 1 (MIM#173900) is predominantly caused by monoallelic variants, with rare reports of biallelic variants causing disease (OMIM). (I) 0211 - Canonical splice site variant without proven consequence on splicing (no functional evidence available). (SP) 0251 - This variant is heterozygous. (I) 0301 - Variant is absent from gnomAD (v2, v3, and v4). (SP) 0505 - Abnormal splicing is predicted by in silico tools and affected nucleotide is highly conserved. (SP) 0702 - Other splice site variants comparable to the one identified in this case have strong previous evidence for pathogenicity. c.12004-1G>C, c.12004-2A>G, and c.12004-2A>C have been reported in individuals with ADPKD and classified as likely pathogenic/pathogenic in ClinVar (PMIDs: 29529603, 22508176, 25333066). (SP) 0803 - This variant has limited previous evidence of pathogenicity in unrelated individuals. This variant has been reported once as pathogenic in ClinVar, and observed in an individual with ADPKD (PMID: 17396115). (SP) 0905 - No published segregation evidence has been identified for this variant. (I) 1208 - Inheritance information for this variant is not currently available in this individual. (I) Legend: (SP) - Supporting pathogenic, (I) - Information, (SB) - Supporting benign

MVZ Medizinische Genetik Mainz
Classification: Pathogenic for Polycystic kidney disease, adult type. Last evaluated: 2024-01-10. Review status: criteria provided, single submitter. Criteria: UK Practice Guidelines For Variant Classification V4 01 2020. Collection method: clinical testing. Allele origin: germline. Inheritance: Autosomal dominant inheritance. Affected: yes. Observed: 1 variant allele.
Comment: ACMG Criteria: PVS1,PS1_SUP,PM2_SUP,PP4

Literature cited by the submitters: PubMed 17396115 (cited by Victorian Clinical Genetics Services, Murdoch Childrens Research Institute); PubMed 22508176 (cited by Victorian Clinical Genetics Services, Murdoch Childrens Research Institute); PubMed 25333066 (cited by Victorian Clinical Genetics Services, Murdoch Childrens Research Institute); PubMed 29529603 (cited by Victorian Clinical Genetics Services, Murdoch Childrens Research Institute).